The following is an entry in ClinVar:

NM_004168.4(SDHA):c.710T>C (p.Leu237Pro)

Gene: SDHA (succinate dehydrogenase complex flavoprotein subunit A; plus strand). Cytogenetic location: 5p15.33.
Variant type: single nucleotide variant.
Coding change: c.710T>C on transcript NM_004168.4 (MANE Select); coding-DNA position 710, T replaced by C.
Protein change: p.Leu237Pro; replaces leucine 237 with proline.
Molecular consequence: missense variant.
Genome position (GRCh38, 1-based): chr5:228,273, T>C. VCF-style: chr5-228273-T-C. GRCh37 (hg19) VCF-style: chr5-228388-T-C.
Other names: c.566T>C, p.Leu189Pro (NM_001294332.2); c.710T>C, p.Leu237Pro (NM_001330758.2); short protein forms L189P, L237P.
Identifiers: ClinVar variation 4529679 (VCV004529679.1).

ClinVar aggregate classification (germline): Uncertain significance (1 of 4 stars; one submission).

Submission:

GeneDx
Classification: Uncertain significance. Last evaluated: 2025-05-13. Review status: criteria provided, single submitter. Criteria: GeneDx Variant Classification Process June 2021. Collection method: clinical testing. Allele origin: germline. Affected: yes.
Comment: Not observed at significant frequency in large population cohorts (gnomAD); In silico analysis supports that this missense variant has a deleterious effect on protein structure/function; Observed in a patient with paraganglioma (PMID: 30877234); This variant is associated with the following publications: (PMID: 30877234)